The following is an entry in ClinVar:

NM_000059.4(BRCA2):c.3043A>G (p.Lys1015Glu)

Gene: BRCA2 (BRCA2 DNA repair associated; plus strand). Cytogenetic location: 13q13.1.
Variant type: single nucleotide variant.
Coding change: c.3043A>G on transcript NM_000059.4 (MANE Select); coding-DNA position 3043, A replaced by G.
Protein change: p.Lys1015Glu; replaces lysine 1015 with glutamic acid.
Molecular consequence: missense variant.
Genome position (GRCh38, 1-based): chr13:32,337,398, A>G. VCF-style: chr13-32337398-A-G. GRCh37 (hg19) VCF-style: chr13-32911535-A-G.
Other names: c.3043A>G, p.Lys1015Glu (NM_001406719.1, NM_001406720.1); short protein forms K1015E.
Identifiers: ClinVar variation 2445912 (VCV002445912.3), dbSNP rs397507652, ClinGen allele CA387775006.

ClinVar aggregate classification (germline): Uncertain significance (1 of 4 stars; one submission).

Submission:

Women's Health and Genetics/Laboratory Corporation of America, LabCorp
Classification: Uncertain significance. Last evaluated: 2024-05-24. Review status: criteria provided, single submitter. Criteria: LabCorp Variant Classification Summary - May 2015. Collection method: clinical testing. Allele origin: germline.
Comment: Variant summary: BRCA2 c.3043A>G (p.Lys1015Glu) results in a conservative amino acid change in the encoded protein sequence. Three of five in-silico tools predict a damaging effect of the variant on protein function. The variant was absent in 250600 control chromosomes. The available data on variant occurrences in the general population are insufficient to allow any conclusion about variant significance. To our knowledge, no occurrence of c.3043A>G in individuals affected with Hereditary Breast And Ovarian Cancer Syndrome and no experimental evidence demonstrating its impact on protein function have been reported. ClinVar contains an entry for this variant (Variation ID: 2445912). Based on the evidence outlined above, the variant was classified as uncertain significance.